The following is an entry in ClinVar:

ClinVar aggregate classification (germline): Pathogenic (1 of 4 stars; one submission).

Conditions:
CFTR-related disorder (CFTR-RD). Also called: CFTR-related disorders; CFTR-related condition. Identifiers: MedGen C5924204, MONDO:7770004.

gnomAD v4.1: 1 of 1,613,798 alleles (0.000062%); highest among the groups gnomAD compares: Non-Finnish European, 0.000085%; no homozygotes.

Submission:

Natera, Inc.
Classification: Pathogenic for CFTR-related disorders. Last evaluated: 2025-06-09. Review status: criteria provided, single submitter. Criteria: Natera Variant Classification Schema (03/2026). Collection method: clinical testing. Allele origin: germline.
Comment: The c.1075C>T variant in CFTR is a nonsense variant predicted to introduce a stop codon at amino acid 359. This variant is expected to result in nonsense mediated decay, truncation, or a dysfunctional protein product. This variant is rare in the general population with a frequency below the threshold expected for the associated phenotype(s). This variant has been observed in one or more individuals affected with the associated recessive disease, as either homozygous or compound heterozygous with a second variant (PMID: 26826884). Given the available evidence, this variant is classified as Pathogenic.

Literature cited by the submitters: PubMed 26826884.

NM_000492.4(CFTR):c.1075C>T (p.Gln359Ter)

Gene: CFTR (CF transmembrane conductance regulator; plus strand). Cytogenetic location: 7q31.2.
Variant type: single nucleotide variant.
Coding change: c.1075C>T on transcript NM_000492.4 (MANE Select); coding-DNA position 1075, C replaced by T.
Protein change: p.Gln359Ter; replaces glutamine 359 with a stop codon.
Molecular consequence: nonsense.
Genome position (GRCh38, 1-based): chr7:117,540,305, C>T. VCF-style: chr7-117540305-C-T. GRCh37 (hg19) VCF-style: chr7-117180359-C-T.
Other names: short protein forms Q359*.
Identifiers: ClinVar variation 4818460 (VCV004818460.1).